The following is an entry in ClinVar:

ClinVar aggregate classification (germline): Pathogenic. Review status: criteria provided, multiple submitters, no conflicts (2 of 4 stars). 3 submissions from 3 submitters: Pathogenic (3). Last evaluated 2023-11-18.

Conditions:
Marinesco-Sjögren syndrome (MSS). Also called: Marinesco-SjÃ¶gren syndrome; Marinesco-Sjogren Syndrome. Identifiers: Orphanet 559, MedGen C0024814, MONDO:0009567, OMIM 248800.

Allele frequency attached by ClinVar (database versions not stated): gnomAD exomes below 0.00001.

Submissions (3):

Women's Health and Genetics/Laboratory Corporation of America, LabCorp
Classification: Pathogenic for Marinesco-Sjögren syndrome. Last evaluated: 2023-11-18. Review status: criteria provided, single submitter. Criteria: LabCorp Variant Classification Summary - May 2015. Collection method: clinical testing. Allele origin: germline.
Comment: Variant summary: SIL1 c.212dupA (p.His71GlnfsX5) results in a premature termination codon, predicted to cause a truncation of the encoded protein or absence of the protein due to nonsense mediated decay, which are commonly known mechanisms for disease. The variant was absent in 251450 control chromosomes. c.212dupA has been reported in the literature in at least one homozygous individual affected with Marinesco-Sjogren Syndrome (e.g. Anttonen_2005). These data indicate that the variant is likely to be associated with disease. To our knowledge, no experimental evidence demonstrating an impact on protein function has been reported. The following publication has been ascertained in the context of this evaluation (PMID: 16282978). Two submitters have cited clinical-significance assessments for this variant to ClinVar after 2014. All submitters classified the variant as pathogenic. Based on the evidence outlined above, the variant was classified as pathogenic.

Labcorp Genetics (formerly Invitae), Labcorp
Classification: Pathogenic for Marinesco-Sjögren syndrome. Last evaluated: 2022-08-05. Review status: criteria provided, single submitter. Criteria: Invitae Variant Classification Sherloc (09022015). Collection method: clinical testing. Allele origin: germline.
Comment: This sequence change creates a premature translational stop signal (p.His71Glnfs*5) in the SIL1 gene. It is expected to result in an absent or disrupted protein product. Loss-of-function variants in SIL1 are known to be pathogenic (PMID: 16282977, 24176978). This variant is not present in population databases (gnomAD no frequency). This premature translational stop signal has been observed in individual(s) with Marinesco-Sjogren syndrome (PMID: 16282978). For these reasons, this variant has been classified as Pathogenic.

Athena Diagnostics
Classification: Pathogenic. Last evaluated: 2022-02-25. Review status: criteria provided, single submitter. Criteria: Athena Diagnostics Criteria. Collection method: clinical testing. Allele origin: unknown.

Literature cited by the submitters: PubMed 16282978 (cited by 3 submitters); PubMed 16282977 (cited by Labcorp Genetics (formerly Invitae), Labcorp); PubMed 24176978 (cited by Labcorp Genetics (formerly Invitae), Labcorp).

NM_022464.5(SIL1):c.212dup (p.His71fs)

Gene: SIL1 (SIL1 nucleotide exchange factor; minus strand). Cytogenetic location: 5q31.2.
Variant type: Duplication.
Coding change: c.212dup on transcript NM_022464.5 (MANE Select); coding-DNA position 212, one base duplicated (A; older notation c.212dupA).
Protein change: p.His71fs; shifts the reading frame from histidine 71.
Molecular consequence: frameshift variant.
Genome position (GRCh38, 1-based): chr5:139,121,067, T duplicated on the plus strand (A on the coding strand, the reverse complement: SIL1 is on the minus strand). VCF-style (leftmost placement, unchanged base first): chr5-139121066-G-GT. GRCh37 (hg19) VCF-style: chr5-138456755-G-GT.
Other names: c.212dupA (NM_022464.5); c.212dup, p.His71fs (NM_001037633.2); short protein forms H71fs.
Identifiers: ClinVar variation 1807098 (VCV001807098.7), dbSNP rs2546421783, ClinGen allele CA2580072908.
Genomic context (GRCh38, chr5:139,121,066, plus strand): 5'-TTTTGTGGGGACAGGGCTGGGCCTGATACCTGGCTGAAGGGCCTGCCACTCATGCGTCGG[G>GT]TGGAACACCTCCAGGACTTCGGCATCCAGCTCCTCCTCGGCTTTGGTTTCTTTTCTCTCT-3'